The following is an entry in ClinVar:

ClinVar aggregate classification (germline): Pathogenic/Likely pathogenic. Review status: criteria provided, multiple submitters, no conflicts (2 of 4 stars). 2 submissions from 2 submitters: Pathogenic (1); Likely pathogenic (1). Last evaluated 2021-11-09.

Conditions:
Hereditary cancer-predisposing syndrome. Also called: Hereditary Cancer Syndrome; Neoplastic Syndromes, Hereditary; Hereditary neoplastic syndrome; Tumor predisposition. Identifiers: Orphanet 140162, MedGen C0027672, MeSH D009386, MONDO:0015356.
Breast-ovarian cancer, familial, susceptibility to, 1 (BROVCA1). Also called: BRCA1 Hereditary Breast and Ovarian Cancer; OVARIAN CANCER, SUSCEPTIBILITY TO. Identifiers: Orphanet 145, MedGen C2676676, MONDO:0011450, OMIM 604370. Disease mechanism: loss of function.

Submissions (2):

Color Diagnostics, LLC DBA Color Health
Classification: Likely pathogenic for Hereditary cancer-predisposing syndrome. Last evaluated: 2021-11-09. Review status: criteria provided, single submitter. Criteria: ACMG Guidelines, 2015. Collection method: clinical testing. Allele origin: germline.
Comment: This variant causes a 1 nucleotide deletion in intron 16 of the BRCA1 gene, disrupting the intron 16 splice acceptor site. Splice site prediction tools predict that this variant may have a significant impact on RNA splicing. To our knowledge, functional studies have not been reported for this variant nor has this variant been reported in individuals affected with hereditary cancer in the literature. Other canonical splice acceptor site variants in intron 16 have been reported as disease-causing in ClinVar (variation ID 55377, 55378, 55379, 55380, 1255938, 125759, 252381) and reported in individuals or families affected with breast or ovarian cancer (PMID: 16616110, 28135048, 29446198, 30287823). This variant has not been identified in the general population by the Genome Aggregation Database (gnomAD). Loss of BRCA1 function is a known mechanism of disease. Based on the available evidence, this variant is classified as Likely Pathogenic.

Consortium of Investigators of Modifiers of BRCA1/2 (CIMBA), c/o University of Cambridge
Classification: Pathogenic for Breast-ovarian cancer, familial, susceptibility to, 1. Last evaluated: 2015-10-02. Review status: criteria provided, single submitter. Criteria: CIMBA Mutation Classification guidelines May 2016. Collection method: clinical testing. Allele origin: germline.

Literature cited by the submitters: PubMed 16616110 (cited by Color Diagnostics, LLC DBA Color Health); PubMed 28135048 (cited by Color Diagnostics, LLC DBA Color Health); PubMed 29446198 (cited by Color Diagnostics, LLC DBA Color Health); PubMed 30287823 (cited by Color Diagnostics, LLC DBA Color Health).

NM_007294.4(BRCA1):c.5075-2del

Gene: BRCA1 (BRCA1 DNA repair associated; minus strand). Cytogenetic location: 17q21.31.
Variant type: Deletion.
Coding change: c.5075-2del on transcript NM_007294.4 (MANE Select); the canonical splice acceptor site of the intron before coding-DNA position 5075, one base deleted (A; older notation c.5075-2delA).
Molecular consequence: splice acceptor variant. On other transcripts: intron variant (2).
Genome position (GRCh38, 1-based): chr17:43,063,953, T deleted on the plus strand (A on the coding strand, the reverse complement: BRCA1 is on the minus strand). VCF-style (leftmost placement, unchanged base first): chr17-43063952-CT-C. GRCh37 (hg19) VCF-style: chr17-41215969-CT-C.
Other names: c.1766-2del (NM_001407975.1, NM_001407978.1, NM_001407977.1 and 3 more transcripts); c.1832-2del (NM_001407971.1, NM_001407970.1); c.1757-2del (NM_001408406.1, NM_001408407.1, NM_001408408.1); c.5069-2del (NM_001407641.1, NM_001407629.1, NM_001407636.1 and 14 more transcripts); c.5072-2del (NM_001407624.1, NM_001407858.1, NM_001407616.1 and 17 more transcripts); c.5138-2del (NM_007300.4, NM_001407583.1, NM_001407587.1 and 1 more transcripts); c.5141-2del (NM_001407581.1, NM_001407582.1); c.4568-2del (NM_001407965.1); and 73 more.
Identifiers: ClinVar variation 267575 (VCV000267575.9), dbSNP rs886040913, ClinGen allele CA10602580.